The following is an entry in ClinVar:

ClinVar aggregate classification (germline): Uncertain significance (1 of 4 stars; one submission).

Allele frequency attached by ClinVar (database versions not stated): TOPMed below 0.00001; ExAC 0.00001; gnomAD exomes below 0.00001.
gnomAD v4.1: 4 of 1,613,322 alleles (0.00025%); highest among the groups gnomAD compares: Non-Finnish European, 0.00025%; no homozygotes.

Submission:

Labcorp Genetics (formerly Invitae), Labcorp
Classification: Uncertain significance. Last evaluated: 2025-02-17. Review status: criteria provided, single submitter. Criteria: Invitae Variant Classification Sherloc (09022015). Collection method: clinical testing. Allele origin: germline.
Comment: This sequence change replaces leucine, which is neutral and non-polar, with proline, which is neutral and non-polar, at codon 438 of the RAI1 protein (p.Leu438Pro). This variant is present in population databases (rs755771500, gnomAD 0.0009%). This variant has not been reported in the literature in individuals affected with RAI1-related conditions. ClinVar contains an entry for this variant (Variation ID: 2873953). Invitae Evidence Modeling of protein sequence and biophysical properties (such as structural, functional, and spatial information, amino acid conservation, physicochemical variation, residue mobility, and thermodynamic stability) indicates that this missense variant is expected to disrupt RAI1 protein function with a positive predictive value of 80%. In summary, the available evidence is currently insufficient to determine the role of this variant in disease. Therefore, it has been classified as a Variant of Uncertain Significance.

NM_030665.4(RAI1):c.1313T>C (p.Leu438Pro)

Gene: RAI1 (retinoic acid induced 1; plus strand). Cytogenetic location: 17p11.2.
Variant type: single nucleotide variant.
Coding change: c.1313T>C on transcript NM_030665.4 (MANE Select); coding-DNA position 1313, T replaced by C.
Protein change: p.Leu438Pro; replaces leucine 438 with proline.
Molecular consequence: missense variant.
Genome position (GRCh38, 1-based): chr17:17,794,261, T>C. VCF-style: chr17-17794261-T-C. GRCh37 (hg19) VCF-style: chr17-17697575-T-C.
Other names: short protein forms L438P.
Identifiers: ClinVar variation 2873953 (VCV002873953.3), dbSNP rs755771500, ClinGen allele CA8418311.